The following is an entry in ClinVar:

NM_020937.4(FANCM):c.352A>G (p.Thr118Ala)

Gene: FANCM (FA complementation group M; plus strand). Cytogenetic location: 14q21.2.
Variant type: single nucleotide variant.
Coding change: c.352A>G on transcript NM_020937.4 (MANE Select); coding-DNA position 352, A replaced by G.
Protein change: p.Thr118Ala; replaces threonine 118 with alanine.
Molecular consequence: missense variant.
Genome position (GRCh38, 1-based): chr14:45,136,383, A>G. VCF-style: chr14-45136383-A-G. GRCh37 (hg19) VCF-style: chr14-45605586-A-G.
Other names: c.352A>G, p.Thr118Ala (NM_001308133.2, NM_001308134.2); short protein forms T118A.
Identifiers: ClinVar variation 456265 (VCV000456265.9), dbSNP rs1227473930, ClinGen allele CA389587908.

ClinVar aggregate classification (germline): Uncertain significance. Review status: criteria provided, multiple submitters, no conflicts (2 of 4 stars). 2 submissions from 2 submitters: Uncertain significance (2). Last evaluated 2021-11-03.

Conditions:
Fanconi anemia (FA). Also called: Fanconi's anemia. Identifiers: Orphanet 84, MedGen C0015625, MeSH D005199, MONDO:0019391.

Allele frequency attached by ClinVar (database versions not stated): gnomAD exomes 0.00001; TOPMed 0.00001; gnomAD 0.00002.
gnomAD v4.1: 14 of 1,613,946 alleles (0.00087%); highest among the groups gnomAD compares: Admixed American, 0.005%; no homozygotes.

Submissions (2):

Institute for Clinical Genetics, University Hospital TU Dresden, University Hospital TU Dresden
Classification: Uncertain significance. Last evaluated: 2021-11-03. Review status: criteria provided, single submitter. Criteria: ACMG Guidelines, 2015. Collection method: clinical testing. Allele origin: germline.

Labcorp Genetics (formerly Invitae), Labcorp
Classification: Uncertain significance for Fanconi anemia. Last evaluated: 2020-09-01. Review status: criteria provided, single submitter. Criteria: Invitae Variant Classification Sherloc (09022015). Collection method: clinical testing. Allele origin: germline.
Comment: In summary, this variant is a novel missense change with uncertain impact on protein function. It has been classified as a Variant of Uncertain Significance. Algorithms developed to predict the effect of missense changes on protein structure and function do not agree on the potential impact of this missense change (SIFT: "Deleterious"; PolyPhen-2: "Probably Damaging"; Align-GVGD: "Class C0"). This variant is not present in population databases (ExAC no frequency) and has not been reported in the literature in individuals with a FANCM-related disease. This sequence change replaces threonine with alanine at codon 118 of the FANCM protein (p.Thr118Ala). The threonine residue is highly conserved and there is a small physicochemical difference between threonine and alanine.